The following is an entry in ClinVar:

ClinVar aggregate classification (germline): Uncertain significance (1 of 4 stars; one submission).

Conditions:
Colorectal cancer, susceptibility to, 12 (CRCS12). Also called: COLORECTAL CANCER, SUSCEPTIBILITY TO, ON CHROMOSOME 12q24. Identifiers: Orphanet 220460, MedGen C3554460, MONDO:0014038, OMIM 615083.

Submission:

St. Jude Molecular Pathology, St. Jude Children's Research Hospital
Classification: Uncertain significance for Colorectal cancer, susceptibility to, 12. Last evaluated: 2024-03-12. Review status: criteria provided, single submitter. Criteria: St. Jude Assertion Criteria 2020. Collection method: clinical testing. Allele origin: germline.
Comment: The POLE c.778C>G (p.Arg260Gly) missense change is absent in gnomAD v2.1.1. The in silico tool REVEL predicts a benign effect on protein function, but this prediction has not been confirmed by functional studies. This variant has not been reported in the literature in individuals with POLE-related disease. In summary, the evidence currently available is insufficient to determine the clinical significance of this variant. It has therefore been classified as of uncertain significance.

NM_006231.4(POLE):c.778C>G (p.Arg260Gly)

Gene: POLE (DNA polymerase epsilon, catalytic subunit; minus strand). Cytogenetic location: 12q24.33.
Variant type: single nucleotide variant.
Coding change: c.778C>G on transcript NM_006231.4 (MANE Select); coding-DNA position 778, C replaced by G.
Protein change: p.Arg260Gly; replaces arginine 260 with glycine.
Molecular consequence: missense variant.
Genome position (GRCh38, 1-based): chr12:132,677,386, G>C on the plus strand (C>G on the coding strand, the complement: POLE is on the minus strand). VCF-style: chr12-132677386-G-C. GRCh37 (hg19) VCF-style: chr12-133253972-G-C.
Other names: short protein forms R260G.
Identifiers: ClinVar variation 3377791 (VCV003377791.1).